The following is an entry in ClinVar:

NM_000138.5(FBN1):c.1746C>G (p.Cys582Trp)

Gene: FBN1 (fibrillin 1; minus strand). Cytogenetic location: 15q21.1.
Variant type: single nucleotide variant.
Coding change: c.1746C>G on transcript NM_000138.5 (MANE Select); coding-DNA position 1746, C replaced by G.
Protein change: p.Cys582Trp; replaces cysteine 582 with tryptophan.
Molecular consequence: missense variant.
Genome position (GRCh38, 1-based): chr15:48,508,673, G>C on the plus strand (C>G on the coding strand, the complement: FBN1 is on the minus strand). VCF-style: chr15-48508673-G-C. GRCh37 (hg19) VCF-style: chr15-48800870-G-C.
Other names: c.1746C>G, p.Cys582Trp (NM_001406716.1); short protein forms C582W.
Identifiers: ClinVar variation 2498613 (VCV002498613.28), dbSNP rs112366266, ClinGen allele CA392340541.

ClinVar aggregate classification (germline): Pathogenic/Likely pathogenic. Review status: criteria provided, multiple submitters, no conflicts (2 of 4 stars). 2 submissions from 2 submitters: Pathogenic (1); Likely pathogenic (1). Last evaluated 2023-04-03.

Conditions:
FBN1-related disorder. Also called: FBN1-related disorders.

Submissions (2):

PreventionGenetics, part of Exact Sciences
Classification: Likely pathogenic for FBN1-related condition. Last evaluated: 2023-04-03. Review status: criteria provided, single submitter. Criteria: ACMG Guidelines, 2015. Collection method: clinical testing. Allele origin: germline.
Comment: The FBN1 c.1746C>G variant is predicted to result in the amino acid substitution p.Cys582Trp. To our knowledge, this variant has not been reported in the literature or in a large population database, indicating this variant is rare. This variant substitutes a cysteine residue that is located within the epidermal growth factor-like domain of the FBN1 protein. Missense variants in FBN1 that substitute or create a cysteine residue are well-documented to cause Marfan syndrome (Dietz and Dietz. 1993. PubMed ID: 20301510; Comeglio et al. 2007. PubMed ID: 17657824; Stheneur et al. 2009. PubMed ID: 19293843). Different nucleotide substitutions affecting the same amino acid (p.Cys582Arg and p.Cys582Tyr) have been reported in individuals with Marfan syndrome or congenital ectopia lentis (Attanasio et al. 2008. PubMed ID: 18435798; Chen et al. 2022. PubMed ID: 34818515). This variant is interpreted as likely pathogenic.

CeGaT Center for Human Genetics Tuebingen
Classification: Pathogenic. Last evaluated: 2023-02-01. Review status: criteria provided, single submitter. Criteria: CeGaT Center For Human Genetics Tuebingen Variant Classification Criteria Version 2. Collection method: clinical testing. Allele origin: germline. Affected: yes. Observed: 1 variant allele.
Comment: FBN1: PM1:Strong, PM2, PM5, PP2, PP3